The following is an entry in ClinVar:

ClinVar aggregate classification (germline): Uncertain significance. Review status: criteria provided, multiple submitters, no conflicts (2 of 4 stars). 2 submissions from 2 submitters: Uncertain significance (2). Last evaluated 2026-02-28.

Conditions:
Hereditary pheochromocytoma and paraganglioma. Also called: Hereditary pheochromocytoma-paraganglioma; Hereditary Paraganglioma-Pheochromocytoma Syndromes; Hereditary paragangliomas and pheochromocytomas. Identifiers: Orphanet 29072, MedGen C4274332, MONDO:0017366.
Hereditary cancer-predisposing syndrome. Also called: Tumor predisposition; Neoplastic Syndromes, Hereditary; Hereditary neoplastic syndrome; Hereditary Cancer Syndrome. Identifiers: Orphanet 140162, MedGen C0027672, MeSH D009386, MONDO:0015356.

Submissions (2):

Ambry Genetics
Classification: Uncertain significance for Hereditary cancer-predisposing syndrome. Last evaluated: 2026-02-28. Review status: criteria provided, single submitter. Criteria: Ambry Variant Classification Scheme 2023. Collection method: clinical testing. Allele origin: germline.
Comment: The p.P77R variant (also known as c.230C>G), located in coding exon 1 of the TMEM127 gene, results from a C to G substitution at nucleotide position 230. The proline at codon 77 is replaced by arginine, an amino acid with dissimilar properties. This amino acid position is conserved. In addition, the in silico prediction for this alteration is inconclusive. Based on the available evidence, the clinical significance of this variant remains unclear.

Labcorp Genetics (formerly Invitae), Labcorp
Classification: Uncertain significance for Hereditary pheochromocytoma and paraganglioma. Last evaluated: 2025-04-23. Review status: criteria provided, single submitter. Criteria: Invitae Variant Classification Sherloc (09022015). Collection method: clinical testing. Allele origin: germline.
Comment: This sequence change replaces proline, which is neutral and non-polar, with arginine, which is basic and polar, at codon 77 of the TMEM127 protein (p.Pro77Arg). This variant is not present in population databases (gnomAD no frequency). This variant has not been reported in the literature in individuals affected with TMEM127-related conditions. An algorithm developed to predict the effect of missense changes on protein structure and function (PolyPhen-2) suggests that this variant is likely to be tolerated. In summary, the available evidence is currently insufficient to determine the role of this variant in disease. Therefore, it has been classified as a Variant of Uncertain Significance.

NM_017849.4(TMEM127):c.230C>G (p.Pro77Arg)

Gene: TMEM127 (transmembrane protein 127; minus strand). Cytogenetic location: 2q11.2.
Variant type: single nucleotide variant.
Coding change: c.230C>G on transcript NM_017849.4 (MANE Select); coding-DNA position 230, C replaced by G.
Protein change: p.Pro77Arg; replaces proline 77 with arginine.
Molecular consequence: missense variant. On other transcripts: intron variant (1).
Genome position (GRCh38, 1-based): chr2:96,265,152, G>C on the plus strand (C>G on the coding strand, the complement: TMEM127 is on the minus strand). VCF-style: chr2-96265152-G-C. GRCh37 (hg19) VCF-style: chr2-96930890-G-C.
Other names: c.230C>G, p.Pro77Arg (NM_001193304.3); c.-9+717C>G (NM_001407283.1); short protein forms P77R.
Identifiers: ClinVar variation 4745087 (VCV004745087.2).